The following is an entry in ClinVar:

NM_003612.5(SEMA7A):c.1059C>T (p.Gly353=)

Gene: SEMA7A (semaphorin 7A (JohnMiltonHagen blood group); minus strand). Cytogenetic location: 15q24.1.
Variant type: single nucleotide variant.
Coding change: c.1059C>T on transcript NM_003612.5 (MANE Select); coding-DNA position 1059, C replaced by T.
Protein change: p.Gly353=; no amino-acid change (glycine 353 retained).
Molecular consequence: synonymous variant.
Genome position (GRCh38, 1-based): chr15:74,414,874, G>A on the plus strand (C>T on the coding strand, the complement: SEMA7A is on the minus strand). VCF-style: chr15-74414874-G-A. GRCh37 (hg19) VCF-style: chr15-74707215-G-A.
Other names: c.1059C>T (NM_003612.4); c.1017C>T, p.Gly339= (NM_001146029.3); c.564C>T, p.Gly188= (NM_001146030.3).
Identifiers: ClinVar variation 2645540 (VCV002645540.26), dbSNP rs56079201, ClinGen allele CA7657028.

ClinVar aggregate classification (germline): Benign/Likely benign. Review status: criteria provided, multiple submitters, no conflicts (2 of 4 stars). 3 submissions from 3 submitters: Benign (1); Likely benign (2). Last evaluated 2025-11-30.

Conditions:
SEMA7A-related disorder. Also called: SEMA7A-related condition.

Allele frequency attached by ClinVar (database versions not stated): 1000 Genomes Project 0.00220; 1000 Genomes Project 30x 0.00234; ESP Exome Variant Server 0.00277; TOPMed 0.00285; gnomAD 0.00324; ExAC 0.00345; gnomAD exomes 0.00408.
gnomAD v4.1: 6,389 of 1,614,192 alleles (0.4%); highest among the groups gnomAD compares: Non-Finnish European, 0.44%; 19 homozygotes.

Submissions (3):

PreventionGenetics, part of Exact Sciences
Classification: Likely benign for SEMA7A-related condition. Last evaluated: 2025-11-30. Review status: criteria provided, single submitter. Criteria: ACMG Guidelines, 2015. Collection method: clinical testing. Allele origin: germline.
Comment: This variant is classified as likely benign based on ACMG/AMP sequence variant interpretation guidelines (Richards et al. 2015 PMID: 25741868, with internal and published modifications).

Blueprint Genetics
Classification: Likely benign. Last evaluated: 2024-11-22. Review status: criteria provided, single submitter. Criteria: ACMG Guidelines, 2015. Collection method: clinical testing. Allele origin: germline.

CeGaT Center for Human Genetics Tuebingen
Classification: Benign. Last evaluated: 2023-03-01. Review status: criteria provided, single submitter. Criteria: CeGaT Center For Human Genetics Tuebingen Variant Classification Criteria Version 2. Collection method: clinical testing. Allele origin: germline. Affected: yes. Observed: 1 variant allele.
Comment: SEMA7A: BP4, BS1, BS2